The following is an entry in ClinVar:

ClinVar aggregate classification (germline): Likely benign (1 of 4 stars; one submission).

Conditions:
NUDT6-related disorder. Also called: NUDT6-related condition.

gnomAD v4.1: 27 of 1,602,536 alleles (0.0017%); highest among the groups gnomAD compares: East Asian, 0.0067%; no homozygotes.

Submission:

PreventionGenetics, part of Exact Sciences
Classification: Likely benign for NUDT6-related condition. Last evaluated: 2026-06-05. Review status: criteria provided, single submitter. Criteria: ACMG Guidelines, 2015. Collection method: clinical testing. Allele origin: germline.
Comment: This variant is classified as likely benign based on ACMG/AMP sequence variant interpretation guidelines (Richards et al. 2015 PMID: 25741868, with internal and published modifications).

NM_007083.5(NUDT6):c.219C>T (p.Ala73=)

Gene: NUDT6 (nudix hydrolase 6; minus strand). Cytogenetic location: 4q28.1.
Variant type: single nucleotide variant.
Coding change: c.219C>T on transcript NM_007083.5 (MANE Select); coding-DNA position 219, C replaced by T.
Protein change: p.Ala73=; no amino-acid change (alanine 73 retained).
Molecular consequence: synonymous variant. On other transcripts: intron variant (1).
Genome position (GRCh38, 1-based): chr4:122,922,354, G>A on the plus strand (C>T on the coding strand, the complement: NUDT6 is on the minus strand). VCF-style: chr4-122922354-G-A. GRCh37 (hg19) VCF-style: chr4-123843509-G-A.
Other names: c.-270+447C>T (NM_198041.3).
Identifiers: ClinVar variation 4980912 (VCV004980912.1).
Genomic context (GRCh38, chr4:122,922,354, plus strand): 5'-GCTCTGGAGCCCCGGGAGCCCTTCGTCCCAGGCGCACTTGCCCTGCAAGCCCTTCTGGAA[G>A]GCGGCAGCGTCCAGGCGGTCCAGCGCATCGAGCCGCGCCAGGCGCACCGAGATGCCCCCG-3'
Protein context (NP_009014.2, residues 63-83): LDALDRLDAA[Ala73=]FQKGLQAAVQ